The following is an entry in ClinVar:

NM_006734.4(HIVEP2):c.3490C>T (p.Gln1164Ter)

Gene: HIVEP2 (HIVEP zinc finger 2; minus strand). Cytogenetic location: 6q24.2.
Variant type: single nucleotide variant.
Coding change: c.3490C>T on transcript NM_006734.4 (MANE Select); coding-DNA position 3490, C replaced by T.
Protein change: p.Gln1164Ter; replaces glutamine 1164 with a stop codon.
Molecular consequence: nonsense.
Genome position (GRCh38, 1-based): chr6:142,771,249, G>A on the plus strand (C>T on the coding strand, the complement: HIVEP2 is on the minus strand). VCF-style: chr6-142771249-G-A. GRCh37 (hg19) VCF-style: chr6-143092386-G-A.
Other names: short protein forms Q1164*.
Identifiers: ClinVar variation 2572614 (VCV002572614.1), dbSNP rs1474776725, ClinGen allele CA365903881.

ClinVar aggregate classification (germline): Likely pathogenic (1 of 4 stars; one submission).

Conditions:
Intellectual developmental disorder, autosomal dominant 43. Also called: Intellectual disability, autosomal dominant 43. Identifiers: MedGen C4707429, MONDO:0014858, OMIM 616977.

Submission:

Laboratory of Medical Genetics, National & Kapodistrian University of Athens
Classification: Likely pathogenic for Intellectual developmental disorder, autosomal dominant 43. Last evaluated: 2023-06-06. Review status: criteria provided, single submitter. Criteria: ACMG Guidelines, 2015. Collection method: clinical testing. Allele origin: germline. Affected: yes.
Comment: PVS1, PM2